The following is an entry in ClinVar:

ClinVar aggregate classification (germline): Pathogenic/Likely pathogenic. Review status: criteria provided, multiple submitters, no conflicts (2 of 4 stars). 4 submissions from 4 submitters: Pathogenic (1); Likely pathogenic (3). Last evaluated 2025-10-01.

Conditions:
Congenital myotonia, autosomal recessive form. Also called: BECKER DISEASE; Becker Generalized Myotonia; myotonia congenita, autosomal recessive. Identifiers: Orphanet 614, MedGen C0751360, MONDO:0009715, OMIM 255700.

Allele frequency attached by ClinVar (database versions not stated): gnomAD exomes below 0.00001.
gnomAD v4.1: 1 of 1,614,018 alleles (0.000062%); highest among the groups gnomAD compares: Non-Finnish European, 0.000085%; no homozygotes.

Submissions (4):

CeGaT Center for Human Genetics Tuebingen
Classification: Likely pathogenic. Last evaluated: 2025-10-01. Review status: criteria provided, single submitter. Criteria: CeGaT Center For Human Genetics Tuebingen Variant Classification Criteria Version 2. Collection method: clinical testing. Allele origin: germline. Affected: yes. Observed: 2 variant alleles.
Comment: CLCN1: PVS1:Strong, PM2, PM3

Human Genetics Bochum, Ruhr University Bochum
Classification: Pathogenic for Congenital myotonia, autosomal recessive form. Last evaluated: 2024-07-08. Review status: criteria provided, single submitter. Criteria: ACMG Guidelines, 2015. Collection method: clinical testing. Allele origin: germline. Affected: yes.
Comment: ACMG criteria used to clasify this variant: PVS1, PM3, PM2_SUP

Laboratory of Medical Genetics, National & Kapodistrian University of Athens
Classification: Likely pathogenic for Congenital myotonia, autosomal recessive form. Last evaluated: 2024-02-20. Review status: criteria provided, single submitter. Criteria: ACMG Guidelines, 2015. Collection method: clinical testing. Allele origin: germline. Affected: yes.

Dr. med. U. Finckh, Human Genetics, Eurofins MVZ
Classification: Likely pathogenic for Congenital myotonia, autosomal recessive form. Last evaluated: 2021-02-02. Review status: criteria provided, single submitter. Criteria: ACMG Guidelines, 2015. Collection method: clinical testing. Allele origin: paternal. Affected: no. Observed: 2 heterozygotes.
Comment: In concordance with other reports, this supports a pathogenic role of disruptive CLCN1 variants for recessive Myotonia congenita, but not for the dominant form of the disease.

NM_000083.3(CLCN1):c.562+1G>C

Gene: CLCN1 (chloride voltage-gated channel 1; plus strand). Cytogenetic location: 7q34.
Variant type: single nucleotide variant.
Coding change: c.562+1G>C on transcript NM_000083.3 (MANE Select); the canonical splice donor site of the intron after coding-DNA position 562, G replaced by C.
Molecular consequence: splice donor variant.
Genome position (GRCh38, 1-based): chr7:143,321,494, G>C. VCF-style: chr7-143321494-G-C. GRCh37 (hg19) VCF-style: chr7-143018587-G-C.
Identifiers: ClinVar variation 1175772 (VCV001175772.38), dbSNP rs2116837885, ClinGen allele CA369684118.